The following is an entry in ClinVar:

ClinVar aggregate classification (germline): Benign/Likely benign. Review status: criteria provided, multiple submitters, no conflicts (2 of 4 stars). 2 submissions from 2 submitters: Benign (1); Likely benign (1). Last evaluated 2025-12-18.

Conditions:
Carnitine acylcarnitine translocase deficiency (CACTD). Identifiers: Orphanet 159, MedGen C0342791, MONDO:0008918, OMIM 212138.

Allele frequency attached by ClinVar (database versions not stated): gnomAD exomes 0.00006 and 0.00019; ExAC 0.00026; gnomAD 0.00075; TOPMed 0.00083; ESP Exome Variant Server 0.00092; 1000 Genomes Project 0.00160; 1000 Genomes Project 30x 0.00203.
gnomAD v4.1: 206 of 1,546,450 alleles (0.013%); highest among the groups gnomAD compares: African/African-American, 0.24%; no homozygotes.

Submissions (2):

Labcorp Genetics (formerly Invitae), Labcorp
Classification: Benign for Carnitine acylcarnitine translocase deficiency. Last evaluated: 2025-12-18. Review status: criteria provided, single submitter. Criteria: Invitae Variant Classification Sherloc (09022015). Collection method: clinical testing. Allele origin: germline.

Women's Health and Genetics/Laboratory Corporation of America, LabCorp
Classification: Likely benign. Last evaluated: 2023-08-21. Review status: criteria provided, single submitter. Criteria: LabCorp Variant Classification Summary - May 2015. Collection method: clinical testing. Allele origin: germline.
Comment: Variant summary: SLC25A20 c.535+18C>T alters a non-conserved nucleotide located at a position not widely known to affect splicing. 4/4 computational tools predict no significant impact on normal splicing. However, these predictions have yet to be confirmed by functional studies. The variant allele was found at a frequency of 0.00019 in 251366 control chromosomes (gnomAD). This frequency is not significantly higher than estimated for a pathogenic variant in SLC25A20 causing Carnitine-Acylcarnitine Translocase Deficiency (0.00019 vs 0.0011), allowing no conclusion about variant significance. To our knowledge, no occurrence of c.535+18C>T in individuals affected with Carnitine-Acylcarnitine Translocase Deficiency and no experimental evidence demonstrating its impact on protein function have been reported. One submitter has cited a clinical-significance assessment for this variant to ClinVar after 2014 and has classified the variant as benign. Based on the evidence outlined above, the variant was classified as likely benign.

NM_000387.6(SLC25A20):c.535+18C>T

Gene: SLC25A20 (solute carrier family 25 member 20; minus strand). Cytogenetic location: 3p21.31.
Variant type: single nucleotide variant.
Coding change: c.535+18C>T on transcript NM_000387.6 (MANE Select); 18 bases into the intron after coding-DNA position 535, C replaced by T.
Molecular consequence: intron variant.
Genome position (GRCh38, 1-based): chr3:48,862,524, G>A on the plus strand (C>T on the coding strand, the complement: SLC25A20 is on the minus strand). VCF-style: chr3-48862524-G-A. GRCh37 (hg19) VCF-style: chr3-48899957-G-A.
Other names: c.535+18C>T (NM_000387.5).
Identifiers: ClinVar variation 1545980 (VCV001545980.8), dbSNP rs182781221, ClinGen allele CA2387374.